The following is an entry in ClinVar:

ClinVar aggregate classification (germline): Uncertain significance (0 of 4 stars; one submission).

Conditions:
BRAT1-related disorder. Also called: BRAT1-related condition; BRAT1-related disorders.

Submission:

PreventionGenetics, part of Exact Sciences
Classification: Uncertain significance for BRAT1-related condition. Last evaluated: 2024-07-31. Review status: no assertion criteria provided. Collection method: clinical testing. Allele origin: germline.
Comment: The BRAT1 c.510C>G variant is predicted to result in the amino acid substitution p.His170Gln. To our knowledge, this variant has not been reported in the literature or in a large population database, indicating this variant is rare. At this time, the clinical significance of this variant is uncertain due to the absence of conclusive functional and genetic evidence.

NM_152743.4(BRAT1):c.510C>G (p.His170Gln)

Gene: BRAT1 (BRCA1 associated ATM activator 1; minus strand). Cytogenetic location: 7p22.3.
Variant type: single nucleotide variant.
Coding change: c.510C>G on transcript NM_152743.4 (MANE Select); coding-DNA position 510, C replaced by G.
Protein change: p.His170Gln; replaces histidine 170 with glutamine.
Molecular consequence: missense variant. On other transcripts: 5 prime UTR variant (1), non-coding transcript variant (1).
Genome position (GRCh38, 1-based): chr7:2,543,883, G>C on the plus strand (C>G on the coding strand, the complement: BRAT1 is on the minus strand). VCF-style: chr7-2543883-G-C. GRCh37 (hg19) VCF-style: chr7-2583517-G-C.
Other names: c.510C>G, p.His170Gln (NM_001350626.2); c.-16C>G (NM_001350627.2); short protein forms H170Q.
Identifiers: ClinVar variation 3353361 (VCV003353361.1).